The following is an entry in ClinVar:

ClinVar aggregate classification (germline): Uncertain significance (1 of 4 stars; one submission).

Conditions:
Renal cell carcinoma. Identifiers: Orphanet 217071, MedGen C0007134, MeSH D002292, MONDO:0005086, HP:0005584.

Submission:

Labcorp Genetics (formerly Invitae), Labcorp
Classification: Uncertain significance for Renal cell carcinoma. Last evaluated: 2022-08-30. Review status: criteria provided, single submitter. Criteria: Invitae Variant Classification Sherloc (09022015). Collection method: clinical testing. Allele origin: germline.
Comment: Algorithms developed to predict the effect of missense changes on protein structure and function (SIFT, PolyPhen-2, Align-GVGD) all suggest that this variant is likely to be tolerated. This variant has not been reported in the literature in individuals affected with MET-related conditions. This variant is not present in population databases (gnomAD no frequency). This sequence change replaces glutamine, which is neutral and polar, with arginine, which is basic and polar, at codon 825 of the MET protein (p.Gln825Arg). In summary, the available evidence is currently insufficient to determine the role of this variant in disease. Therefore, it has been classified as a Variant of Uncertain Significance.

NM_000245.4(MET):c.2420A>G (p.Gln807Arg)

Gene: MET (MET proto-oncogene, receptor tyrosine kinase; plus strand). Cytogenetic location: 7q31.2.
Variant type: single nucleotide variant.
Coding change: c.2420A>G on transcript NM_000245.4 (MANE Select); coding-DNA position 2420, A replaced by G.
Protein change: p.Gln807Arg; replaces glutamine 807 with arginine.
Molecular consequence: missense variant.
Genome position (GRCh38, 1-based): chr7:116,763,105, A>G. VCF-style: chr7-116763105-A-G. GRCh37 (hg19) VCF-style: chr7-116403159-A-G.
Other names: c.2474A>G, p.Gln825Arg (NM_001127500.3); c.2420A>G, p.Gln807Arg (NM_001324401.3); c.1130A>G, p.Gln377Arg (NM_001324402.2); short protein forms Q377R, Q807R, Q825R.
Identifiers: ClinVar variation 2113822 (VCV002113822.2), dbSNP rs868437104, ClinGen allele CA368983092.
Genomic context (GRCh38, chr7:116,763,105, plus strand): 5'-TCTAGGCATGTCAACATCGCTCTAATTCAGAGATAATCTGTTGTACCACTCCTTCCCTGC[A>G]ACAGCTGAATCTGCAACTCCCCCTGAAAACCAAAGCCTTTTTCATGTTAGATGGGATCCT-3'
Protein context (NP_000236.2, residues 797-817): EIICCTTPSL[Gln807Arg]QLNLQLPLKT